The following is an entry in ClinVar:

NM_001037.5(SCN1B):c.562G>A (p.Ala188Thr)

Gene: SCN1B (sodium voltage-gated channel beta subunit 1; plus strand). Cytogenetic location: 19q13.11.
Variant type: single nucleotide variant.
Coding change: c.562G>A on transcript NM_001037.5 (MANE Select); coding-DNA position 562, G replaced by A.
Protein change: p.Ala188Thr; replaces alanine 188 with threonine.
Molecular consequence: missense variant.
Genome position (GRCh38, 1-based): chr19:35,039,230, G>A. VCF-style: chr19-35039230-G-A. GRCh37 (hg19) VCF-style: chr19-35530134-G-A.
Other names: c.463G>A, p.Ala155Thr (NM_001321605.2); short protein forms A155T, A188T.
Identifiers: ClinVar variation 1748742 (VCV001748742.7), dbSNP rs1296196266, ClinGen allele CA405330137.
Genomic context (GRCh38, chr19:35,039,230, plus strand): 5'-GTGGTGTTGACCATATGGCTCGTGGCAGAGATGATTTACTGCTACAAGAAGATCGCTGCC[G>A]CCACGGAGACTGCTGCACAGGAGAATGCGTGAGTAGGGTGGCTGGGAGGTGGGAGGGCAC-3'
Protein context (NP_001028.1, residues 178-198): MIYCYKKIAA[Ala188Thr]TETAAQENAS

ClinVar aggregate classification (germline): Uncertain significance. Review status: criteria provided, multiple submitters, no conflicts (2 of 4 stars). 2 submissions from 2 submitters: Uncertain significance (2). Last evaluated 2022-05-05.

Conditions:
Cardiovascular phenotype. Identifiers: MedGen CN230736.
Brugada syndrome 5 (BRGDA5). Identifiers: Orphanet 130, Orphanet 871, MedGen C2748541, MONDO:0013015, OMIM 612838.

Allele frequency attached by ClinVar (database versions not stated): gnomAD exomes 0.00001.
gnomAD v4.1: 10 of 1,613,912 alleles (0.00062%); highest among the groups gnomAD compares: Middle Eastern, 0.033%; no homozygotes.

Submissions (2):

Labcorp Genetics (formerly Invitae), Labcorp
Classification: Uncertain significance for Brugada syndrome 5. Last evaluated: 2022-05-05. Review status: criteria provided, single submitter. Criteria: Invitae Variant Classification Sherloc (09022015). Collection method: clinical testing. Allele origin: germline.
Comment: In summary, the available evidence is currently insufficient to determine the role of this variant in disease. Therefore, it has been classified as a Variant of Uncertain Significance. Experimental studies and prediction algorithms are not available or were not evaluated, and the functional significance of this variant is currently unknown. This variant has not been reported in the literature in individuals affected with SCN1B-related conditions. This variant is present in population databases (no rsID available, gnomAD 0.003%). This sequence change replaces alanine, which is neutral and non-polar, with threonine, which is neutral and polar, at codon 188 of the SCN1B protein (p.Ala188Thr). The SCN1B gene has multiple clinically relevant transcripts. This variant occurs in alternate transcript NM_001037.4, and corresponds to NM_199037.3:c.*5132G>A in the primary transcript.

Ambry Genetics
Classification: Uncertain significance for Cardiovascular phenotype. Last evaluated: 2021-08-17. Review status: criteria provided, single submitter. Criteria: Ambry Variant Classification Scheme 2023. Collection method: clinical testing. Allele origin: germline.
Comment: The p.A188T variant (also known as c.562G>A), located in coding exon 4 of the SCN1B gene, results from a G to A substitution at nucleotide position 562. The alanine at codon 188 is replaced by threonine, an amino acid with similar properties. This amino acid position is highly conserved in available vertebrate species. In addition, the in silico prediction for this alteration is inconclusive. Since supporting evidence is limited at this time, the clinical significance of this alteration remains unclear.